The following is an entry in ClinVar:

ClinVar aggregate classification (germline): Pathogenic. Review status: criteria provided, multiple submitters, no conflicts (2 of 4 stars). 2 submissions from 2 submitters: Pathogenic (2). Last evaluated 2025-09-09.

Submissions (2):

Labcorp Genetics (formerly Invitae), Labcorp
Classification: Pathogenic. Last evaluated: 2025-09-09. Review status: criteria provided, single submitter. Criteria: Invitae Variant Classification Sherloc (09022015). Collection method: clinical testing. Allele origin: germline.
Comment: This sequence change affects an acceptor splice site in intron 2 of the HPGD gene. It is expected to disrupt RNA splicing. Variants that disrupt the donor or acceptor splice site typically lead to a loss of protein function (PMID: 16199547), and loss-of-function variants in HPGD are known to be pathogenic (PMID: 18500342, 19568269, 24533558, 24816859). This variant is not present in population databases (gnomAD no frequency). Disruption of this splice site has been observed in individual(s) with primary hypertrophic osteoarthropathy (PMID: 37432431; internal data). In at least one individual the data is consistent with being in trans (on the opposite chromosome) from a pathogenic variant. ClinVar contains an entry for this variant (Variation ID: 1809761). Algorithms developed to predict the effect of sequence changes on RNA splicing suggest that this variant may disrupt the consensus splice site. For these reasons, this variant has been classified as Pathogenic.

Athena Diagnostics
Classification: Pathogenic. Last evaluated: 2021-08-10. Review status: criteria provided, single submitter. Criteria: Athena Diagnostics Criteria. Collection method: clinical testing. Allele origin: unknown.
Comment: This variant is expected to severely impact normal RNA splicing, and consequently, protein structure and/or function. This variant has not been reported in large, multi-ethnic general populations. This variant has been identified in at least one individual tested at Athena Diagnostics with clinical features associated with this gene.This observation is not an independent occurrence and has been identified in the same individual by RCIGM, the other laboratory participating in the GEMINI study.

Literature cited by the submitters: PubMed 16199547 (cited by Labcorp Genetics (formerly Invitae), Labcorp); PubMed 18500342 (cited by Labcorp Genetics (formerly Invitae), Labcorp); PubMed 19568269 (cited by Labcorp Genetics (formerly Invitae), Labcorp); PubMed 24533558 (cited by Labcorp Genetics (formerly Invitae), Labcorp); PubMed 24816859 (cited by Labcorp Genetics (formerly Invitae), Labcorp); PubMed 37432431 (cited by Labcorp Genetics (formerly Invitae), Labcorp).

NM_000860.6(HPGD):c.218-1G>A

Gene: HPGD (15-hydroxyprostaglandin dehydrogenase; minus strand). Cytogenetic location: 4q34.1.
Variant type: single nucleotide variant.
Coding change: c.218-1G>A on transcript NM_000860.6 (MANE Select); the canonical splice acceptor site of the intron before coding-DNA position 218, G replaced by A.
Molecular consequence: splice acceptor variant. On other transcripts: intron variant (2).
Genome position (GRCh38, 1-based): chr4:174,518,078, C>T on the plus strand (G>A on the coding strand, the complement: HPGD is on the minus strand). VCF-style: chr4-174518078-C-T. GRCh37 (hg19) VCF-style: chr4-175439229-C-T.
Other names: c.217+3866G>A (NM_001256306.2); c.-40+3866G>A (NM_001256307.2); c.218-1G>A (NM_001256305.2, NM_001145816.3, NM_001363574.2); c.-146-1G>A (NM_001256301.1).
Identifiers: ClinVar variation 1809761 (VCV001809761.2), dbSNP rs1166031576, ClinGen allele CA358813158.